The following is an entry in ClinVar:

NM_001308093.3(GATA4):c.218G>T (p.Gly73Val)

Gene: GATA4 (GATA binding protein 4). Cytogenetic location: 8p23.1.
Variant type: single nucleotide variant.
Coding change: c.218G>T on transcript NM_001308093.3 (MANE Select); coding-DNA position 218, G replaced by T.
Protein change: p.Gly73Val; replaces glycine 73 with valine.
Molecular consequence: missense variant. On other transcripts: intron variant (3).
Genome position (GRCh38, 1-based): chr8:11,708,530, G>T. VCF-style: chr8-11708530-G-T. GRCh37 (hg19) VCF-style: chr8-11566039-G-T.
Other names: c.218G>T, p.Gly73Val (NM_002052.5); c.-6+7752G>T (NM_001308094.2); c.-3+516G>T (NM_001374274.1); c.-3+4226G>T (NM_001374273.1); c.218G>T (NM_002052.3); short protein forms G73V.
Identifiers: ClinVar variation 1721099 (VCV001721099.6), dbSNP rs1300914582, ClinGen allele CA370309177.

ClinVar aggregate classification (germline): Uncertain significance. Review status: criteria provided, multiple submitters, no conflicts (2 of 4 stars). 2 submissions from 2 submitters: Uncertain significance (2). Last evaluated 2023-07-06.

Conditions:
Atrioventricular septal defect 4 (AVSD4). Identifiers: MedGen C3280781, MONDO:0013747, OMIM 614430.

Allele frequency attached by ClinVar (database versions not stated): gnomAD 0.00001.

Submissions (2):

GeneDx
Classification: Uncertain significance. Last evaluated: 2023-07-06. Review status: criteria provided, single submitter. Criteria: GeneDx Variant Classification Process June 2021. Collection method: clinical testing. Allele origin: germline. Affected: yes.
Comment: Not observed at significant frequency in large population cohorts (gnomAD); In silico analysis supports that this missense variant does not alter protein structure/function; Has not been previously published as pathogenic or benign to our knowledge

Labcorp Genetics (formerly Invitae), Labcorp
Classification: Uncertain significance for Atrioventricular septal defect 4. Last evaluated: 2022-10-07. Review status: criteria provided, single submitter. Criteria: Invitae Variant Classification Sherloc (09022015). Collection method: clinical testing. Allele origin: germline.
Comment: In summary, the available evidence is currently insufficient to determine the role of this variant in disease. Therefore, it has been classified as a Variant of Uncertain Significance. Advanced modeling of protein sequence and biophysical properties (such as structural, functional, and spatial information, amino acid conservation, physicochemical variation, residue mobility, and thermodynamic stability) performed at Invitae indicates that this missense variant is not expected to disrupt GATA4 protein function. This variant has not been reported in the literature in individuals affected with GATA4-related conditions. This variant is not present in population databases (gnomAD no frequency). This sequence change replaces glycine, which is neutral and non-polar, with valine, which is neutral and non-polar, at codon 73 of the GATA4 protein (p.Gly73Val).